The following is an entry in ClinVar:

ClinVar aggregate classification (germline): Likely benign. Review status: criteria provided, multiple submitters, no conflicts (2 of 4 stars). 7 submissions from 6 submitters: Likely benign (7). Last evaluated 2026-01-12.

Conditions:
Inborn genetic diseases. Identifiers: MedGen C0950123, MeSH D030342.
Developmental and epileptic encephalopathy, 14 (DEE14). Also called: Early infantile epileptic encephalopathy 14. Identifiers: Orphanet 293181, MedGen C3554195, MONDO:0013989, OMIM 614959.
Autosomal dominant nocturnal frontal lobe epilepsy 5. Also called: KCNT1-Related Epilepsy; CILIARY DYSKINESIA, PRIMARY, 28, WITH SITUS INVERSUS; CILIARY DYSKINESIA, PRIMARY, 28, WITHOUT SITUS INVERSUS; Epilepsy, nocturnal frontal lobe, 5. Identifiers: Orphanet 98784, MedGen C3554306, MONDO:0014002, OMIM 615005.

Allele frequency attached by ClinVar (database versions not stated): gnomAD 0.00006 and 0.00007; TOPMed 0.00006; gnomAD exomes 0.00007 and 0.00008; ExAC 0.00012.
gnomAD v4.1: 117 of 1,589,302 alleles (0.0074%); highest among the groups gnomAD compares: Non-Finnish European, 0.006%; 1 homozygote.

Submissions (7):

Labcorp Genetics (formerly Invitae), Labcorp
Classification: Likely benign for Autosomal dominant nocturnal frontal lobe epilepsy 5; Developmental and epileptic encephalopathy, 14. Last evaluated: 2026-01-12. Review status: criteria provided, single submitter. Criteria: Invitae Variant Classification Sherloc (09022015). Collection method: clinical testing. Allele origin: germline.

CeGaT Center for Human Genetics Tuebingen
Classification: Likely benign. Last evaluated: 2025-11-01. Review status: criteria provided, single submitter. Criteria: CeGaT Center For Human Genetics Tuebingen Variant Classification Criteria Version 2. Collection method: clinical testing. Allele origin: germline. Affected: yes. Observed: 3 variant alleles.
Comment: KCNT1: BP4, BP7

Blueprint Genetics
Classification: Likely benign. Last evaluated: 2024-08-30. Review status: criteria provided, single submitter. Criteria: ACMG Guidelines, 2015. Collection method: clinical testing. Allele origin: germline.

Genome-Nilou Lab
Classification: Likely benign for Developmental and epileptic encephalopathy, 14. Last evaluated: 2022-03-15. Review status: criteria provided, single submitter. Criteria: ACMG Guidelines, 2015. Collection method: clinical testing. Allele origin: germline. Affected: no.

Genome-Nilou Lab
Classification: Likely benign for Autosomal dominant nocturnal frontal lobe epilepsy 5. Last evaluated: 2022-03-15. Review status: criteria provided, single submitter. Criteria: ACMG Guidelines, 2015. Collection method: clinical testing. Allele origin: germline. Affected: no.

GeneDx
Classification: Likely benign. Last evaluated: 2019-03-19. Review status: criteria provided, single submitter. Criteria: GeneDx Variant Classification Process June 2021. Collection method: clinical testing. Allele origin: germline. Affected: yes.

Ambry Genetics
Classification: Likely benign for Inborn genetic diseases. Last evaluated: 2017-09-26. Review status: criteria provided, single submitter. Criteria: Ambry Variant Classification Scheme 2023. Collection method: clinical testing. Allele origin: germline.

NM_020822.3(KCNT1):c.3501C>T (p.Tyr1167=)

Gene: KCNT1 (potassium sodium-activated channel subfamily T member 1; plus strand). Cytogenetic location: 9q34.3.
Variant type: single nucleotide variant.
Coding change: c.3501C>T on transcript NM_020822.3 (MANE Select); coding-DNA position 3501, C replaced by T.
Protein change: p.Tyr1167=; no amino-acid change (tyrosine 1167 retained).
Molecular consequence: synonymous variant.
Genome position (GRCh38, 1-based): chr9:135,786,520, C>T. VCF-style: chr9-135786520-C-T. GRCh37 (hg19) VCF-style: chr9-138678366-C-T.
Other names: c.3366C>T, p.Tyr1122= (NM_001272003.2).
Identifiers: ClinVar variation 425469 (VCV000425469.57), dbSNP rs773575309, ClinGen allele CA5327831.